The following is an entry in ClinVar:

NM_000890.5(KCNJ5):c.1254G>A (p.Ser418=)

Gene: KCNJ5 (potassium inwardly rectifying channel subfamily J member 5; plus strand). Cytogenetic location: 11q24.3.
Variant type: single nucleotide variant.
Coding change: c.1254G>A on transcript NM_000890.5 (MANE Select); coding-DNA position 1254, G replaced by A.
Protein change: p.Ser418=; no amino-acid change (serine 418 retained).
Molecular consequence: synonymous variant.
Genome position (GRCh38, 1-based): chr11:128,916,725, G>A. VCF-style: chr11-128916725-G-A. GRCh37 (hg19) VCF-style: chr11-128786620-G-A.
Other names: c.1254G>A (LRG_333t1); c.1254G>A, p.Ser418= (NM_001354169.2).
Identifiers: ClinVar variation 303633 (VCV000303633.18), dbSNP rs528463709, ClinGen allele CA6358026.

ClinVar aggregate classification (germline): Benign/Likely benign. Review status: criteria provided, multiple submitters, no conflicts (2 of 4 stars). 4 submissions from 4 submitters: Benign (1); Likely benign (3). Last evaluated 2025-11-05.

Conditions:
Long QT syndrome (LQTS). Identifiers: MedGen C0023976, MeSH D008133, MONDO:0002442. Disease mechanism: loss of function. Inheritance: Various modes of inheritance.
Familial hyperaldosteronism type III. Also called: FH III; Familial hyperaldosteronism type 3. Identifiers: Orphanet 251274, MedGen C3838758, MONDO:0013359, OMIM 613677.
Cardiovascular phenotype. Identifiers: MedGen CN230736.

Allele frequency attached by ClinVar (database versions not stated): gnomAD 0.00005 and 0.00007; TOPMed 0.00005; ExAC 0.00014; 1000 Genomes Project 30x 0.00031; 1000 Genomes Project 0.00040.

Submissions (4):

Ambry Genetics
Classification: Likely benign for Cardiovascular phenotype. Last evaluated: 2025-11-05. Review status: criteria provided, single submitter. Criteria: Ambry Variant Classification Scheme 2023. Collection method: clinical testing. Allele origin: germline.

Labcorp Genetics (formerly Invitae), Labcorp
Classification: Likely benign for Long QT syndrome. Last evaluated: 2025-03-10. Review status: criteria provided, single submitter. Criteria: Invitae Variant Classification Sherloc (09022015). Collection method: clinical testing. Allele origin: germline.

Blueprint Genetics
Classification: Likely benign. Last evaluated: 2024-01-12. Review status: criteria provided, single submitter. Criteria: ACMG Guidelines, 2015. Collection method: clinical testing. Allele origin: germline.

Illumina Laboratory Services, Illumina
Classification: Benign for Familial hyperaldosteronism type III. Last evaluated: 2018-01-13. Review status: criteria provided, single submitter. Criteria: ICSL Variant Classification Criteria 13 December 2019. Collection method: clinical testing. Allele origin: germline.
Comment: This variant was observed in the ICSL laboratory as part of a predisposition screen in an ostensibly healthy population. It had not been previously curated by ICSL or reported in the Human Gene Mutation Database (HGMD: prior to June 1st, 2018), and was therefore a candidate for classification through an automated scoring system. Utilizing variant allele frequency, disease prevalence and penetrance estimates, and inheritance mode, an automated score was calculated to assess if this variant is too frequent to cause the disease. Based on the score and internal cut-off values, a variant classified as benign is not then subjected to further curation. The score for this variant resulted in a classification of benign for this disease.